The following is an entry in ClinVar:

ClinVar aggregate classification (germline): Pathogenic (1 of 4 stars; one submission).

Conditions:
Hereditary cancer-predisposing syndrome. Also called: Hereditary Cancer Syndrome; Hereditary neoplastic syndrome; Neoplastic Syndromes, Hereditary; Tumor predisposition. Identifiers: Orphanet 140162, MedGen C0027672, MeSH D009386, MONDO:0015356.

Submission:

Ambry Genetics
Classification: Pathogenic for Hereditary cancer-predisposing syndrome. Last evaluated: 2021-07-30. Review status: criteria provided, single submitter. Criteria: Ambry Variant Classification Scheme 2023. Collection method: clinical testing. Allele origin: germline.
Comment: The c.1429delG variant, located in coding exon 9 of the MEN1 gene, results from a deletion of one nucleotide at nucleotide position 1429, causing a translational frameshift with a predicted alternate stop codon (p.E477Kfs*82). This alteration occurs at the 3' terminus of theMEN1 gene, is not expected to trigger nonsense-mediated mRNA decay, and only impacts the last 134 amino acids of the protein. However, premature stop codons are typically deleterious in nature and a significant portion of the protein is affected (Ambry internal data). This alteration, referred to as "nt 1539delG (fs81aaX)," has been seen in a Portuguese family whose phenotype is consistent with multiple endocrine neoplasia type 1 (MEN1) (Cavaco BM et al. Clin Endocrinol (Oxf), 2002 Apr;56:465-73). In addition to the clinical data presented in the literature, this variant is considered to be rare based on population cohorts in the Genome Aggregation Database (gnomAD). As such, this alteration is interpreted as a disease-causing mutation.

Literature cited by the submitters: PubMed 11966739.

NM_001370259.2(MEN1):c.1429del (p.Glu477fs)

Gene: MEN1 (menin 1; minus strand). Cytogenetic location: 11q13.1.
Variant type: Deletion.
Coding change: c.1429del on transcript NM_001370259.2 (MANE Select); coding-DNA position 1429, one base deleted (G; older notation c.1429delG).
Protein change: p.Glu477fs; shifts the reading frame from glutamic acid 477.
Molecular consequence: frameshift variant.
Genome position (GRCh38, 1-based): chr11:64,804,738, C deleted on the plus strand (G on the coding strand, the reverse complement: MEN1 is on the minus strand); the first of 3 consecutive C bases (chr11:64,804,738-64,804,740); deleting any one gives the same sequence. VCF-style (leftmost placement, unchanged base first): chr11-64804737-TC-T. GRCh37 (hg19) VCF-style: chr11-64572209-TC-T.
Other names: c.1444del, p.Glu482fs (NM_000244.4, NM_130800.3, NM_130801.3 and 3 more transcripts); c.1555del, p.Glu519fs (NM_001370251.2); c.1429del, p.Glu477fs (NM_001370260.2, NM_001370261.2, NM_130799.3); c.1324del, p.Glu442fs (NM_001370262.2, NM_001370263.2); c.1553delG, p.Glu519Lysfs (NM_001407142.1, NM_001407143.1, NM_001407144.1); c.1442delG, p.Glu482Lysfs (NM_001407145.1); c.1427delG, p.Glu477Lysfs (NM_001407146.1, NM_001407147.1); c.1322delG, p.Glu442Lysfs (NM_001407148.1, NM_001407149.1); and 4 more; short protein forms E442fs, E519fs, E477fs, E482fs.
Identifiers: ClinVar variation 1772445 (VCV001772445.2), dbSNP rs886041214, ClinGen allele CA2580084428.